The following is an entry in ClinVar:

ClinVar aggregate classification (germline): Uncertain significance (1 of 4 stars; one submission).

Conditions:
Hereditary cancer-predisposing syndrome. Also called: Neoplastic Syndromes, Hereditary; Tumor predisposition; Hereditary neoplastic syndrome; Hereditary Cancer Syndrome. Identifiers: Orphanet 140162, MedGen C0027672, MeSH D009386, MONDO:0015356.
Cardiovascular phenotype. Identifiers: MedGen CN230736.

Submission:

Ambry Genetics
Classification: Uncertain significance for Cardiovascular phenotype; Hereditary cancer-predisposing syndrome. Last evaluated: 2023-08-01. Review status: criteria provided, single submitter. Criteria: Ambry Variant Classification Scheme 2023. Collection method: clinical testing. Allele origin: germline.
Comment: The p.T2114S variant (also known as c.6340A>T), located in coding exon 41 of the NF1 gene, results from an A to T substitution at nucleotide position 6340. The threonine at codon 2114 is replaced by serine, an amino acid with similar properties. This amino acid position is highly conserved in available vertebrate species. In addition, this alteration is predicted to be deleterious by in silico analysis. Since supporting evidence is limited at this time, the clinical significance of this alteration remains unclear.

NM_001042492.3(NF1):c.6403A>T (p.Thr2135Ser)

Gene: NF1 (neurofibromin 1; plus strand). Cytogenetic location: 17q11.2.
Variant type: single nucleotide variant.
Coding change: c.6403A>T on transcript NM_001042492.3 (MANE Select); coding-DNA position 6403, A replaced by T.
Protein change: p.Thr2135Ser; replaces threonine 2135 with serine.
Molecular consequence: missense variant.
Genome position (GRCh38, 1-based): chr17:31,336,890, A>T. VCF-style: chr17-31336890-A-T. GRCh37 (hg19) VCF-style: chr17-29663908-A-T.
Other names: c.6340A>T, p.Thr2114Ser (NM_000267.4); short protein forms T2135S, T2114S.
Identifiers: ClinVar variation 826337 (VCV000826337.4), dbSNP rs1555534767, ClinGen allele CA399012916.